The following is an entry in ClinVar:

NM_173477.5(USH1G):c.22G>C (p.Ala8Pro)

Gene: USH1G (USH1 protein network component sans; minus strand). Cytogenetic location: 17q25.1.
Variant type: single nucleotide variant.
Coding change: c.22G>C on transcript NM_173477.5 (MANE Select); coding-DNA position 22, G replaced by C.
Protein change: p.Ala8Pro; replaces alanine 8 with proline.
Molecular consequence: missense variant. On other transcripts: 5 prime UTR variant (1).
Genome position (GRCh38, 1-based): chr17:74,923,052, C>G on the plus strand (G>C on the coding strand, the complement: USH1G is on the minus strand). VCF-style: chr17-74923052-C-G. GRCh37 (hg19) VCF-style: chr17-72919147-C-G.
Other names: c.-235G>C (NM_001282489.3); short protein forms A8P.
Identifiers: ClinVar variation 1687494 (VCV001687494.1), dbSNP rs779198694, ClinGen allele CA8754139.

ClinVar aggregate classification (germline): Uncertain significance (1 of 4 stars; one submission).

Conditions:
Usher syndrome type 1G. Also called: USHER SYNDROME, TYPE IG, MILD. Identifiers: Orphanet 231169, Orphanet 886, MedGen C1847089, MONDO:0011748, OMIM 606943.

Allele frequency attached by ClinVar (database versions not stated): gnomAD exomes 0.00001; ExAC 0.00003.
gnomAD v4.1: 12 of 1,586,500 alleles (0.00076%); highest among the groups gnomAD compares: South Asian, 0.014%; no homozygotes.

Submission:

3billion
Classification: Uncertain significance for Usher syndrome type 1G. Last evaluated: 2022-05-22. Review status: criteria provided, single submitter. Criteria: ACMG Guidelines, 2015. Collection method: clinical testing. Allele origin: germline. Affected: yes. Observed: 1 homozygote.
Comment: It has been reported with an extremely low frequency in the gnomAD v2.1.1 dataset (total allele frequency: dMAF: 0.00447, PM2_M). In silico prediction tools and conservation analysis predicted that this variant was probably damaging to the protein structure/function (REVEL: 0.755>=0.6). (PP3_P). Therefore, this variant is classified as uncertain significanceaccording to the recommendation of ACMG/AMP guideline.